The following is an entry in ClinVar:

NM_001378454.1(ALMS1):c.649A>G (p.Ile217Val)

Gene: ALMS1 (ALMS1 centrosome and basal body associated protein; plus strand). Cytogenetic location: 2p13.1.
Variant type: single nucleotide variant.
Coding change: c.649A>G on transcript NM_001378454.1 (MANE Select); coding-DNA position 649, A replaced by G.
Protein change: p.Ile217Val; replaces isoleucine 217 with valine.
Molecular consequence: missense variant.
Genome position (GRCh38, 1-based): chr2:73,422,859, A>G. VCF-style: chr2-73422859-A-G. GRCh37 (hg19) VCF-style: chr2-73649987-A-G.
Other names: c.652A>G, p.Ile218Val (NM_015120.4); short protein forms I217V, I218V.
Identifiers: ClinVar variation 928813 (VCV000928813.13), dbSNP rs200944504, ClinGen allele CA1712927.

ClinVar aggregate classification (germline): Conflicting classifications of pathogenicity. Review status: criteria provided, conflicting classifications (1 of 4 stars). 6 submissions from 6 submitters: Uncertain significance (4); Likely benign (1). 1 of the submissions does not count toward it. Last evaluated 2025-07-08.

Conditions:
Cardiovascular phenotype. Identifiers: MedGen CN230736.
Alstrom syndrome (ALMS). Identifiers: Orphanet 64, MedGen C0268425, MONDO:0008763, OMIM 203800.

Allele frequency attached by ClinVar (database versions not stated): ExAC 0.00010; gnomAD exomes 0.00011 and 0.00025; TOPMed 0.00017; gnomAD 0.00018; ESP Exome Variant Server 0.00034.
gnomAD v4.1: 384 of 1,609,980 alleles (0.024%); highest among the groups gnomAD compares: Non-Finnish European, 0.031%; 1 homozygote.

Submissions (6):

Ambry Genetics
Classification: Likely benign for Cardiovascular phenotype. Last evaluated: 2025-07-08. Review status: criteria provided, single submitter. Criteria: Ambry Variant Classification Scheme 2023. Collection method: clinical testing. Allele origin: germline.

Blueprint Genetics
Classification: Uncertain significance. Last evaluated: 2024-10-11. Review status: criteria provided, single submitter. Criteria: ACMG Guidelines, 2015. Collection method: clinical testing. Allele origin: germline.

Labcorp Genetics (formerly Invitae), Labcorp
Classification: Uncertain significance for Alstrom syndrome. Last evaluated: 2022-10-17. Review status: criteria provided, single submitter. Criteria: Invitae Variant Classification Sherloc (09022015). Collection method: clinical testing. Allele origin: germline.
Comment: This sequence change replaces isoleucine, which is neutral and non-polar, with valine, which is neutral and non-polar, at codon 218 of the ALMS1 protein (p.Ile218Val). This variant is present in population databases (rs200944504, gnomAD 0.02%). This variant has not been reported in the literature in individuals affected with ALMS1-related conditions. ClinVar contains an entry for this variant (Variation ID: 928813). Experimental studies and prediction algorithms are not available or were not evaluated, and the functional significance of this variant is currently unknown. In summary, the available evidence is currently insufficient to determine the role of this variant in disease. Therefore, it has been classified as a Variant of Uncertain Significance.

Genetic Services Laboratory, University of Chicago
Classification: Uncertain significance. Last evaluated: 2021-03-31. Review status: criteria provided, single submitter. Criteria: ACMG Guidelines, 2015. Collection method: clinical testing. Allele origin: germline. Affected: no.

Women's Health and Genetics/Laboratory Corporation of America, LabCorp
Classification: Uncertain significance. Last evaluated: 2019-03-25. Review status: criteria provided, single submitter. Criteria: LabCorp Variant Classification Summary - May 2015. Collection method: clinical testing. Allele origin: germline.
Comment: Variant summary: ALMS1 c.649A>G (p.Ile217Val, also known as c.652A>G) results in a conservative amino acid change in the encoded protein sequence. Four of five in-silico tools predict a benign effect of the variant on protein function. The variant allele was found at a frequency of 0.0001 in 276868 control chromosomes (gnomAD). This frequency is not significantly higher than expected for a pathogenic variant in ALMS1 causing Cardiomyopathy (0.0001 vs 0.0022), allowing no conclusion about variant significance. To our knowledge, no occurrence of c.649A>G in individuals affected with Cardiomyopathy and no experimental evidence demonstrating its impact on protein function have been reported. No clinical diagnostic laboratories have submitted clinical-significance assessments for this variant to ClinVar after 2014. Based on the evidence outlined above, the variant was classified as uncertain significance.

Natera, Inc.
Classification: Uncertain significance for Alstrom syndrome. Last evaluated: 2021-08-29. Review status: no assertion criteria provided. Collection method: clinical testing. Allele origin: germline. Not counted in ClinVar's aggregate classification.

Literature cited by the submitters: PubMed 29590070 (cited by Ambry Genetics).